The following is an entry in ClinVar:

NC_000019.9:g.(?_48744199)_(48744277_?)del

Gene: CARD8 (caspase recruitment domain family member 8; minus strand). Cytogenetic location: 19q13.33.
Variant type: Deletion.
Identifiers: ClinVar variation 1411882 (VCV001411882.5).

ClinVar aggregate classification (germline): Uncertain significance (1 of 4 stars; one submission).

Submission:

Labcorp Genetics (formerly Invitae), Labcorp
Classification: Uncertain significance. Last evaluated: 2022-10-05. Review status: criteria provided, single submitter. Criteria: Invitae Variant Classification Sherloc (09022015). Collection method: clinical testing. Allele origin: germline.
Comment: In summary, the available evidence is currently insufficient to determine the role of this variant in disease. Therefore, it has been classified as a Variant of Uncertain Significance. This variant has not been reported in the literature in individuals affected with CARD8-related conditions. This variant is a gross deletion of the genomic region encompassing exon(s) 3 of the CARD8 gene, which includes the initiator codon. This deletion extends beyond the assayed region for this gene and therefore may encompass additional genes. It is expected to result in an absent or disrupted protein product. However, the current clinical and genetic evidence is not sufficient to establish whether loss-of-function variants in CARD8 cause disease.